The following is an entry in ClinVar:

ClinVar aggregate classification (germline): Uncertain significance (1 of 4 stars; one submission).

Allele frequency attached by ClinVar (database versions not stated): gnomAD exomes below 0.00001; TOPMed below 0.00001; gnomAD 0.00001.
gnomAD v4.1: 4 of 1,612,928 alleles (0.00025%); highest among the groups gnomAD compares: Non-Finnish European, 0.00034%; no homozygotes.

Submission:

Labcorp Genetics (formerly Invitae), Labcorp
Classification: Uncertain significance. Last evaluated: 2024-09-06. Review status: criteria provided, single submitter. Criteria: Invitae Variant Classification Sherloc (09022015). Collection method: clinical testing. Allele origin: germline.
Comment: This sequence change replaces leucine, which is neutral and non-polar, with valine, which is neutral and non-polar, at codon 154 of the CYP26B1 protein (p.Leu154Val). This variant is not present in population databases (gnomAD no frequency). This variant has not been reported in the literature in individuals affected with CYP26B1-related conditions. An algorithm developed to predict the effect of missense changes on protein structure and function (PolyPhen-2) suggests that this variant is likely to be disruptive. In summary, the available evidence is currently insufficient to determine the role of this variant in disease. Therefore, it has been classified as a Variant of Uncertain Significance.

NM_019885.4(CYP26B1):c.460C>G (p.Leu154Val)

Gene: CYP26B1 (cytochrome P450 family 26 subfamily B member 1; minus strand). Cytogenetic location: 2p13.2.
Variant type: single nucleotide variant.
Coding change: c.460C>G on transcript NM_019885.4 (MANE Select); coding-DNA position 460, C replaced by G.
Protein change: p.Leu154Val; replaces leucine 154 with valine.
Molecular consequence: missense variant.
Genome position (GRCh38, 1-based): chr2:72,135,389, G>C on the plus strand (C>G on the coding strand, the complement: CYP26B1 is on the minus strand). VCF-style: chr2-72135389-G-C. GRCh37 (hg19) VCF-style: chr2-72362518-G-C.
Other names: c.235C>G, p.Leu79Val (NM_001277742.2); short protein forms L154V, L79V.
Identifiers: ClinVar variation 2962443 (VCV002962443.2), dbSNP rs1160154460, ClinGen allele CA347226130.